The following is an entry in ClinVar:

NM_006514.4(SCN10A):c.365C>A (p.Thr122Lys)

Gene: SCN10A (sodium voltage-gated channel alpha subunit 10; minus strand). Cytogenetic location: 3p22.2.
Variant type: single nucleotide variant.
Coding change: c.365C>A on transcript NM_006514.4 (MANE Select); coding-DNA position 365, C replaced by A.
Protein change: p.Thr122Lys; replaces threonine 122 with lysine.
Molecular consequence: missense variant.
Genome position (GRCh38, 1-based): chr3:38,792,074, G>T on the plus strand (C>A on the coding strand, the complement: SCN10A is on the minus strand). VCF-style: chr3-38792074-G-T. GRCh37 (hg19) VCF-style: chr3-38833565-G-T.
Other names: c.365C>A, p.Thr122Lys (NM_001293306.2, NM_001293307.2); short protein forms T122K.
Identifiers: ClinVar variation 2712712 (VCV002712712.3), dbSNP rs142884499, ClinGen allele CA2321245.

ClinVar aggregate classification (germline): Uncertain significance (1 of 4 stars; one submission).

Conditions:
Brugada syndrome. Also called: Sudden unexpected nocturnal death syndrome; Sudden Unexplained Death Syndrome; Sudden Unexplained Nocturnal Death Syndrome (SUNDS); Sudden unexplained nocturnal death syndrome. Identifiers: Orphanet 130, MedGen C1142166, MONDO:0015263.

gnomAD v4.1: 3 of 1,613,764 alleles (0.00019%); highest among the groups gnomAD compares: South Asian, 0.0011%; no homozygotes.

Submission:

Labcorp Genetics (formerly Invitae), Labcorp
Classification: Uncertain significance for Brugada syndrome. Last evaluated: 2022-10-19. Review status: criteria provided, single submitter. Criteria: Invitae Variant Classification Sherloc (09022015). Collection method: clinical testing. Allele origin: germline.
Comment: This sequence change replaces threonine, which is neutral and polar, with lysine, which is basic and polar, at codon 122 of the SCN10A protein (p.Thr122Lys). This variant is present in population databases (rs142884499, gnomAD 0.003%). This variant has not been reported in the literature in individuals affected with SCN10A-related conditions. Advanced modeling of protein sequence and biophysical properties (such as structural, functional, and spatial information, amino acid conservation, physicochemical variation, residue mobility, and thermodynamic stability) performed at Invitae indicates that this missense variant is not expected to disrupt SCN10A protein function. In summary, the available evidence is currently insufficient to determine the role of this variant in disease. Therefore, it has been classified as a Variant of Uncertain Significance.